The following is an entry in ClinVar:

NM_017514.5(PLXNA3):c.323G>A (p.Arg108His)

Gene: PLXNA3 (plexin A3; plus strand). Cytogenetic location: Xq28.
Variant type: single nucleotide variant.
Coding change: c.323G>A on transcript NM_017514.5 (MANE Select); coding-DNA position 323, G replaced by A.
Protein change: p.Arg108His; replaces arginine 108 with histidine.
Molecular consequence: missense variant.
Genome position (GRCh38, 1-based): chrX:154,460,506, G>A. VCF-style: chrX-154460506-G-A. GRCh37 (hg19) VCF-style: chrX-153688846-G-A.
Other names: short protein forms R108H.
Identifiers: ClinVar variation 5026868 (VCV005026868.1).

ClinVar aggregate classification (germline): Uncertain significance (1 of 4 stars; one submission).

gnomAD v4.1: 2 of 1,209,885 alleles (0.00017%); highest among the groups gnomAD compares: Non-Finnish European, 0.00022%; no homozygotes.

Submission:

Ambry Genetics
Classification: Uncertain significance. Last evaluated: 2026-09-10. Review status: criteria provided, single submitter. Criteria: Ambry Variant Classification Scheme 2023. Collection method: clinical testing. Allele origin: germline.
Comment: The c.323G>A (p.R108H) alteration is located in exon 2 (coding exon 1) of the PLXNA3 gene. This alteration results from a G to A substitution at nucleotide position 323, causing the arginine (R) at amino acid position 108 to be replaced by a histidine (H). Based on data from gnomAD, the A allele has an overall frequency of 0.001% (1/178110) total alleles studied. The highest observed frequency was 0.005% (1/18848) of South Asian alleles. Based on insufficient or conflicting evidence, the clinical significance of this alteration remains unclear.